The following is an entry in ClinVar:

ClinVar aggregate classification (germline): Uncertain significance (1 of 4 stars; one submission).

Submission:

Labcorp Genetics (formerly Invitae), Labcorp
Classification: Uncertain significance. Last evaluated: 2022-03-02. Review status: criteria provided, single submitter. Criteria: Invitae Variant Classification Sherloc (09022015). Collection method: clinical testing. Allele origin: germline.
Comment: In summary, the available evidence is currently insufficient to determine the role of this variant in disease. Therefore, it has been classified as a Variant of Uncertain Significance. Advanced modeling of protein sequence and biophysical properties (such as structural, functional, and spatial information, amino acid conservation, physicochemical variation, residue mobility, and thermodynamic stability) performed at Invitae indicates that this missense variant is not expected to disrupt LRP2 protein function. This variant has not been reported in the literature in individuals affected with LRP2-related conditions. This variant is not present in population databases (gnomAD no frequency). This sequence change replaces alanine, which is neutral and non-polar, with threonine, which is neutral and polar, at codon 18 of the LRP2 protein (p.Ala18Thr).

NM_004525.3(LRP2):c.52G>A (p.Ala18Thr)

Gene: LRP2 (LDL receptor related protein 2; minus strand). Cytogenetic location: 2q31.1.
Variant type: single nucleotide variant.
Coding change: c.52G>A on transcript NM_004525.3 (MANE Select); coding-DNA position 52, G replaced by A.
Protein change: p.Ala18Thr; replaces alanine 18 with threonine.
Molecular consequence: missense variant.
Genome position (GRCh38, 1-based): chr2:169,362,348, C>T on the plus strand (G>A on the coding strand, the complement: LRP2 is on the minus strand). VCF-style: chr2-169362348-C-T. GRCh37 (hg19) VCF-style: chr2-170218858-C-T.
Other names: short protein forms A18T.
Identifiers: ClinVar variation 1367522 (VCV001367522.8), dbSNP rs2105595106, ClinGen allele CA349256836.
Genomic context (GRCh38, chr2:169,362,348, plus strand): 5'-GGGCTCCACGAGAGGCTCTGGCTGGGCTCTTACCTTGGCCACTGGCCGGCGCTAGGCAGG[C>T]GACGAGAGCCAGGAGCAGCGTGCACGCCACTGCTGCCGGCCCGCGATCCATCTCCGCGAC-3'
Protein context (NP_004516.2, residues 8-28): VACTLLLALV[Ala18Thr]CLAPASGQEC